The following is an entry in ClinVar:

NC_000012.12:g.132668501_132668506del

Gene: POLE (DNA polymerase epsilon, catalytic subunit; minus strand). Cytogenetic location: 12q24.33.
Variant type: Deletion.
Genome position: GRCh38 VCF-style: chr12-132668496-GCTGGCA-G. GRCh37 (hg19) VCF-style: chr12-133245082-GCTGGCA-G.
Identifiers: ClinVar variation 1063088 (VCV001063088.9), ClinGen allele CA2499221539.

ClinVar aggregate classification (germline): Uncertain significance (1 of 4 stars; one submission).

Submission:

Labcorp Genetics (formerly Invitae), Labcorp
Classification: Uncertain significance. Last evaluated: 2020-04-16. Review status: criteria provided, single submitter. Criteria: Invitae Variant Classification Sherloc (09022015). Collection method: clinical testing. Allele origin: germline.
Comment: In summary, the available evidence is currently insufficient to determine the role of this variant in disease. Therefore, it has been classified as a Variant of Uncertain Significance. Algorithms developed to predict the effect of sequence changes on RNA splicing suggest that this variant may disrupt the consensus splice site, but this prediction has not been confirmed by published transcriptional studies. This variant has not been reported in the literature in individuals with POLE-related conditions. This variant is not present in population databases (ExAC no frequency). This variant, c.2027_2032del, is a complex sequence change that results in the deletion of 2 and insertion of 1 amino acid(s) in the POLE protein (p.Met676_Ala678delinsThr).